The following is an entry in ClinVar:

NM_001033855.3(DCLRE1C):c.803G>A (p.Ser268Asn)

Gene: DCLRE1C (DNA cross-link repair 1C; minus strand). Cytogenetic location: 10p13.
Variant type: single nucleotide variant.
Coding change: c.803G>A on transcript NM_001033855.3 (MANE Select); coding-DNA position 803, G replaced by A.
Protein change: p.Ser268Asn; replaces serine 268 with asparagine.
Molecular consequence: missense variant. On other transcripts: non-coding transcript variant (4).
Genome position (GRCh38, 1-based): chr10:14,928,130, C>T on the plus strand (G>A on the coding strand, the complement: DCLRE1C is on the minus strand). VCF-style: chr10-14928130-C-T. GRCh37 (hg19) VCF-style: chr10-14970129-C-T.
Other names: c.443G>A, p.Ser148Asn (NM_001033857.3, NM_001033858.3, NM_001289077.2 and 2 more transcripts); c.458G>A, p.Ser153Asn (NM_001289076.2, NM_001289078.2, NM_001350966.2 and 1 more transcripts); c.803G>A, p.Ser268Asn (NM_001350965.2); short protein forms S148N, S153N, S268N.
Identifiers: ClinVar variation 939508 (VCV000939508.7), dbSNP rs1838331843, ClinGen allele CA376056112.

ClinVar aggregate classification (germline): Uncertain significance (1 of 4 stars; one submission).

Conditions:
Severe combined immunodeficiency due to DCLRE1C deficiency (RS-SCID). Also called: SCID, AUTOSOMAL RECESSIVE, T CELL-NEGATIVE, B CELL-NEGATIVE, NK CELL-POSITIVE, WITH SENSITIVITY TO IONIZING RADIATION. Identifiers: Orphanet 275, MedGen C1865371, MONDO:0011225, OMIM 602450.

Submission:

Labcorp Genetics (formerly Invitae), Labcorp
Classification: Uncertain significance for Athabaskan severe combined immunodeficiency. Last evaluated: 2021-09-01. Review status: criteria provided, single submitter. Criteria: Invitae Variant Classification Sherloc (09022015). Collection method: clinical testing. Allele origin: germline.
Comment: This sequence change replaces serine with asparagine at codon 268 of the DCLRE1C protein (p.Ser268Asn). The serine residue is weakly conserved and there is a small physicochemical difference between serine and asparagine. This variant is not present in population databases (ExAC no frequency). This variant has not been reported in the literature in individuals affected with DCLRE1C-related conditions. Algorithms developed to predict the effect of missense changes on protein structure and function output the following: SIFT: "Tolerated"; PolyPhen-2: "Benign"; Align-GVGD: "Class C0". The asparagine amino acid residue is found in multiple mammalian species, which suggests that this missense change does not adversely affect protein function. In summary, the available evidence is currently insufficient to determine the role of this variant in disease. Therefore, it has been classified as a Variant of Uncertain Significance.